The following is an entry in ClinVar:

NM_005751.5(AKAP9):c.821A>G (p.Gln274Arg)

Gene: AKAP9 (A-kinase anchoring protein 9; plus strand). Cytogenetic location: 7q21.2.
Variant type: single nucleotide variant.
Coding change: c.821A>G on transcript NM_005751.5 (MANE Select); coding-DNA position 821, A replaced by G.
Protein change: p.Gln274Arg; replaces glutamine 274 with arginine.
Molecular consequence: missense variant.
Genome position (GRCh38, 1-based): chr7:91,995,691, A>G. VCF-style: chr7-91995691-A-G. GRCh37 (hg19) VCF-style: chr7-91625005-A-G.
Other names: c.821A>G, p.Gln274Arg (NM_147185.3); c.821A>G (NM_005751.4); short protein forms Q274R.
Identifiers: ClinVar variation 1492093 (VCV001492093.10), dbSNP rs371664197, ClinGen allele CA4335922.

ClinVar aggregate classification (germline): Conflicting classifications of pathogenicity. Review status: criteria provided, conflicting classifications (1 of 4 stars). 2 submissions from 2 submitters: Uncertain significance (1); Likely benign (1). Last evaluated 2024-10-22.

Conditions:
Cardiovascular phenotype. Identifiers: MedGen CN230736.
Long QT syndrome (LQTS). Identifiers: MedGen C0023976, MeSH D008133, MONDO:0002442. Disease mechanism: loss of function. Inheritance: Various modes of inheritance.

Allele frequency attached by ClinVar (database versions not stated): gnomAD exomes below 0.00001 and 0.00002; ExAC 0.00002; gnomAD 0.00003; TOPMed 0.00003; ESP Exome Variant Server 0.00008; 1000 Genomes Project 0.00020; 1000 Genomes Project 30x 0.00031.
gnomAD v4.1: 10 of 1,614,108 alleles (0.00062%); highest among the groups gnomAD compares: African/African-American, 0.0093%; no homozygotes.

Submissions (2):

Ambry Genetics
Classification: Likely benign for Cardiovascular phenotype. Last evaluated: 2024-10-22. Review status: criteria provided, single submitter. Criteria: Ambry Variant Classification Scheme 2023. Collection method: clinical testing. Allele origin: germline.

Labcorp Genetics (formerly Invitae), Labcorp
Classification: Uncertain significance for Long QT syndrome. Last evaluated: 2021-03-25. Review status: criteria provided, single submitter. Criteria: Invitae Variant Classification Sherloc (09022015). Collection method: clinical testing. Allele origin: germline.
Comment: In summary, the available evidence is currently insufficient to determine the role of this variant in disease. Therefore, it has been classified as a Variant of Uncertain Significance. Algorithms developed to predict the effect of missense changes on protein structure and function are either unavailable or do not agree on the potential impact of this missense change (SIFT: "Deleterious"; PolyPhen-2: "Probably Damaging"; Align-GVGD: "Class C0"). This variant has not been reported in the literature in individuals with AKAP9-related conditions. This variant is present in population databases (rs371664197, ExAC 0.02%). This sequence change replaces glutamine with arginine at codon 274 of the AKAP9 protein (p.Gln274Arg). The glutamine residue is highly conserved and there is a small physicochemical difference between glutamine and arginine.